The following is an entry in ClinVar:

NM_018896.5(CACNA1G):c.5236C>A (p.Leu1746Met)

Gene: CACNA1G (calcium voltage-gated channel subunit alpha1 G; plus strand). Cytogenetic location: 17q21.33.
Variant type: single nucleotide variant.
Coding change: c.5236C>A on transcript NM_018896.5 (MANE Select); coding-DNA position 5236, C replaced by A.
Protein change: p.Leu1746Met; replaces leucine 1746 with methionine.
Molecular consequence: missense variant.
Genome position (GRCh38, 1-based): chr17:50,618,057, C>A. VCF-style: chr17-50618057-C-A. GRCh37 (hg19) VCF-style: chr17-48695418-C-A.
Other names: c.5167C>A, p.Leu1723Met (NM_198382.3, NM_198383.3); c.5236C>A, p.Leu1746Met (NM_198384.3, NM_198385.3, NM_001256333.2); c.5182C>A, p.Leu1728Met (NM_198386.3, NM_001256324.2); c.5134C>A, p.Leu1712Met (NM_198387.3, NM_198396.3, NM_001256329.2 and 2 more transcripts); c.5113C>A, p.Leu1705Met (NM_198388.3); c.5257C>A, p.Leu1753Met (NM_001256325.2); c.5101C>A, p.Leu1701Met (NM_001256326.2, NM_001256330.2); c.5215C>A, p.Leu1739Met (NM_001256327.2); and 7 more; short protein forms L1689M, L1694M, L1701M, L1705M, L1708M, L1710M, L1712M, L1719M.
Identifiers: ClinVar variation 4685415 (VCV004685415.1).

ClinVar aggregate classification (germline): Uncertain significance (1 of 4 stars; one submission).

Submission:

GeneDx
Classification: Uncertain significance. Last evaluated: 2025-07-09. Review status: criteria provided, single submitter. Criteria: GeneDx Variant Classification Process June 2021. Collection method: clinical testing. Allele origin: germline. Affected: yes.
Comment: Not observed at significant frequency in large population cohorts (gnomAD); In silico analysis suggests that this missense variant does not alter protein structure/function; Has not been previously published as pathogenic or benign to our knowledge